The following is an entry in ClinVar:

ClinVar aggregate classification (germline): Uncertain significance (1 of 4 stars; one submission).

Conditions:
Neuroblastoma, susceptibility to, 3. Also called: ALK-Related Neuroblastic Tumor Susceptibility. Identifiers: Orphanet 635, MedGen C2751681, MONDO:0013083, OMIM 613014.

Submission:

Labcorp Genetics (formerly Invitae), Labcorp
Classification: Uncertain significance for Neuroblastoma, susceptibility to, 3. Last evaluated: 2022-05-21. Review status: criteria provided, single submitter. Criteria: Invitae Variant Classification Sherloc (09022015). Collection method: clinical testing. Allele origin: germline.
Comment: In summary, the available evidence is currently insufficient to determine the role of this variant in disease. Therefore, it has been classified as a Variant of Uncertain Significance. Algorithms developed to predict the effect of missense changes on protein structure and function output the following: SIFT: "Deleterious"; PolyPhen-2: "Benign"; Align-GVGD: "Class C0". The proline amino acid residue is found in multiple mammalian species, which suggests that this missense change does not adversely affect protein function. This variant has not been reported in the literature in individuals affected with ALK-related conditions. This variant is not present in population databases (gnomAD no frequency). This sequence change replaces leucine, which is neutral and non-polar, with proline, which is neutral and non-polar, at codon 1444 of the ALK protein (p.Leu1444Pro).

NM_004304.5(ALK):c.4331T>C (p.Leu1444Pro)

Gene: ALK (ALK receptor tyrosine kinase; minus strand). Cytogenetic location: 2p23.2.
Variant type: single nucleotide variant.
Coding change: c.4331T>C on transcript NM_004304.5 (MANE Select); coding-DNA position 4331, T replaced by C.
Protein change: p.Leu1444Pro; replaces leucine 1444 with proline.
Molecular consequence: missense variant.
Genome position (GRCh38, 1-based): chr2:29,193,756, A>G on the plus strand (T>C on the coding strand, the complement: ALK is on the minus strand). VCF-style: chr2-29193756-A-G. GRCh37 (hg19) VCF-style: chr2-29416622-A-G.
Other names: c.1127T>C, p.Leu376Pro (NM_001353765.2); short protein forms L376P, L1444P.
Identifiers: ClinVar variation 1997455 (VCV001997455.4), dbSNP rs2465874759, ClinGen allele CA346462610.